The following is an entry in ClinVar:

NM_001110556.2(FLNA):c.1616G>A (p.Gly539Asp)

Gene: FLNA (filamin A; minus strand). Cytogenetic location: Xq28.
Variant type: single nucleotide variant.
Coding change: c.1616G>A on transcript NM_001110556.2 (MANE Select); coding-DNA position 1616, G replaced by A.
Protein change: p.Gly539Asp; replaces glycine 539 with aspartic acid.
Molecular consequence: missense variant.
Genome position (GRCh38, 1-based): chrX:154,365,211, C>T on the plus strand (G>A on the coding strand, the complement: FLNA is on the minus strand). VCF-style: chrX-154365211-C-T. GRCh37 (hg19) VCF-style: chrX-153593579-C-T.
Other names: p.G539D:GGC>GAC; c.1616G>A, p.Gly539Asp (NM_001456.4); short protein forms G539D.
Identifiers: ClinVar variation 213461 (VCV000213461.11), dbSNP rs863223618, ClinGen allele CA324424.
Genomic context (GRCh38, chrX:154,365,211, plus strand): 5'-TGACCACCCCACGTGATGGTGACGATATAGGTTCCAGGGACCATGGGGTAATACTCGAAG[C>T]CATACACGCCATCCCCCAGGTCCTTCTGCTTCACGCGCTCCTCTCCCTCTGCCAAGACAA-3'
Protein context (NP_001104026.1, residues 529-549): KQKDLGDGVY[Gly539Asp]FEYYPMVPGT

ClinVar aggregate classification (germline): Conflicting classifications of pathogenicity. Review status: criteria provided, conflicting classifications (1 of 4 stars). 5 submissions from 5 submitters: Uncertain significance (3); Likely benign (2). Last evaluated 2026-08-01.

Conditions:
Oto-palato-digital syndrome, type II (OPD2). Also called: Otopalatodigital Syndrome, Type II; FACIOPALATOOSSEOUS SYNDROME; OPD II SYNDROME; Otopalatodigital Syndrome Type 2 (FLNA-OPD2). Identifiers: Orphanet 669, Orphanet 90652, MedGen C1844696, MONDO:0010571, OMIM 304120.
Melnick-Needles syndrome (MNS). Also called: MELNICK-NEEDLES OSTEODYSPLASTY; OSTEODYSPLASTY OF MELNICK AND NEEDLES; Melnick-Needles Syndrome (FLNA-MNS). Identifiers: Orphanet 2484, MedGen C0025237, MONDO:0010650, OMIM 309350.
Frontometaphyseal dysplasia (FMD1). Identifiers: Orphanet 1826, MedGen C0265293, MONDO:0015942.
Heterotopia, periventricular, X-linked dominant (PVNH1). Also called: X-linked periventricular heterotopia; PERIVENTRICULAR NODULAR HETEROTOPIA 1; PERIVENTRICULAR NODULAR HETEROTOPIA 4; HETEROTOPIA, PERIVENTRICULAR, 1. Identifiers: Orphanet 2149, Orphanet 82004, MedGen C1848213, MONDO:0010233, OMIM 300049.

Allele frequency attached by ClinVar (database versions not stated): gnomAD exomes 0.00001; TOPMed 0.00001; gnomAD 0.00005.
gnomAD v4.1: 21 of 1,211,359 alleles (0.0017%); highest among the groups gnomAD compares: Non-Finnish European, 0.0021%; no homozygotes.

Submissions (5):

CeGaT Center for Human Genetics Tuebingen
Classification: Likely benign. Last evaluated: 2026-08-01. Review status: criteria provided, single submitter. Criteria: CeGaT Center For Human Genetics Tuebingen Variant Classification Criteria Version 2. Collection method: clinical testing. Allele origin: germline. Affected: yes. Observed: 2 variant alleles.
Comment: FLNA: BS2

Labcorp Genetics (formerly Invitae), Labcorp
Classification: Likely benign for Oto-palato-digital syndrome, type II; Heterotopia, periventricular, X-linked dominant; Frontometaphyseal dysplasia; Melnick-Needles syndrome. Last evaluated: 2025-05-13. Review status: criteria provided, single submitter. Criteria: Invitae Variant Classification Sherloc (09022015). Collection method: clinical testing. Allele origin: germline.

Johns Hopkins Genomics, Johns Hopkins University
Classification: Uncertain significance. Last evaluated: 2021-04-16. Review status: criteria provided, single submitter. Criteria: ACMG Guidelines, 2015. Collection method: clinical testing. Allele origin: germline.
Comment: This FLNA variant (rs863223618) is rare (<0.1%) in a large population dataset (gnomAD: 3/203496 total alleles; 0.0015%; no homozygotes; no hemizygotes) and has not been reported in the literature, to our knowledge. This variant has been reported in ClinVar. Three bioinformatic tools queried predict that this substitution would be tolerated and the glycine residue at this position is evolutionarily conserved across most mammalian species assessed. We consider the clinical significance of c.1616G>A to be uncertain at this time.

Blueprint Genetics
Classification: Uncertain significance. Last evaluated: 2019-11-20. Review status: criteria provided, single submitter. Criteria: ACMG Guidelines, 2015. Collection method: clinical testing. Allele origin: germline.

GeneDx
Classification: Uncertain significance. Last evaluated: 2015-10-15. Review status: criteria provided, single submitter. Criteria: GeneDx Variant Classification (06012015). Collection method: clinical testing. Allele origin: germline. Affected: yes.
Comment: The G539D variant has not been published as a pathogenic variant or been reported as a benign variant to our knowledge. The G539D variant was not observed in approximately 6,300 individuals of European and African American ancestry in the NHLBI Exome Sequencing Project, indicating it is not a common benign variant in these populations. The G539D variant is a non-conservative amino acid substitution, which is likely to impact secondary protein structure as these residues differ in polarity, charge, size and/or other properties. Additionally, this substitution occurs at a position that is conserved in mammals. Nevertheless, in silico analysis is inconsistent in its predictions as to whether or not the variant is damaging to the protein structure/function. Furthermore, no missense variants in nearby residues have been reported in the Human Gene Mutation Database in association with disease (Stenson et al., 2014).Therefore, based on the currently available information, it is unclear whether this variant is a pathogenic variant or a rare benign variant